The following is an entry in ClinVar:

NM_144631.6(ZNF513):c.147AGAGGA[1] (p.Glu53_Glu54del)

Gene: ZNF513 (zinc finger protein 513; minus strand). Cytogenetic location: 2p23.3.
Variant type: Microsatellite.
Coding change: c.147AGAGGA[1] on transcript NM_144631.6 (MANE Select); one copy of the 6-base unit AGAGGA starting at c.147; the reference has two copies in a row; one copy, 6 bases deleted.
Protein change: p.Glu53_Glu54del.
Molecular consequence: inframe deletion. On other transcripts: 5 prime UTR variant (1).
Genome position (GRCh38, 1-based): chr2:27,380,146-27,380,151, TCCTCT deleted on the plus strand (AGAGGA on the coding strand, the reverse complement: ZNF513 is on the minus strand); deleting any 6 consecutive bases within chr2:27,380,146-27,380,162 gives the same sequence; the position shown is the placement nearest the transcript's 3' end. VCF-style (leftmost placement, unchanged base first): chr2-27380145-CTCCTCT-C. GRCh37 (hg19) VCF-style: chr2-27603012-CTCCTCT-C.
Other names: c.-40AGAGGA[1] (NM_001201459.2).
Identifiers: ClinVar variation 1021885 (VCV001021885.10), dbSNP rs567166474, ClinGen allele CA1578143.

ClinVar aggregate classification (germline): Uncertain significance (1 of 4 stars; one submission).

Submission:

Labcorp Genetics (formerly Invitae), Labcorp
Classification: Uncertain significance. Last evaluated: 2025-08-12. Review status: criteria provided, single submitter. Criteria: Invitae Variant Classification Sherloc (09022015). Collection method: clinical testing. Allele origin: germline.
Comment: This variant, c.153_158del, results in the deletion of 2 amino acid(s) of the ZNF513 protein (p.Glu53_Glu54del), but otherwise preserves the integrity of the reading frame. The frequency data for this variant in the population databases is considered unreliable, as metrics indicate poor data quality at this position in the gnomAD database. This variant has not been reported in the literature in individuals affected with ZNF513-related conditions. Experimental studies and prediction algorithms are not available or were not evaluated, and the functional significance of this variant is currently unknown. In summary, the available evidence is currently insufficient to determine the role of this variant in disease. Therefore, it has been classified as a Variant of Uncertain Significance.